The following is an entry in ClinVar:

NM_001267550.2(TTN):c.7906G>T (p.Glu2636Ter)

Gene: TTN (titin; minus strand). Cytogenetic location: 2q31.2.
Variant type: single nucleotide variant.
Coding change: c.7906G>T on transcript NM_001267550.2 (MANE Select); coding-DNA position 7906, G replaced by T.
Protein change: p.Glu2636Ter; replaces glutamic acid 2636 with a stop codon.
Molecular consequence: nonsense.
Genome position (GRCh38, 1-based): chr2:178,771,421, C>A on the plus strand (G>T on the coding strand, the complement: TTN is on the minus strand). VCF-style: chr2-178771421-C-A. GRCh37 (hg19) VCF-style: chr2-179636148-C-A.
Other names: c.7906G>T, p.Glu2636Ter (NM_001256850.1, NM_133378.4, NM_133379.5); c.7768G>T, p.Glu2590Ter (NM_003319.4, NM_133432.3, NM_133437.4); short protein forms E2590*, E2636*.
Identifiers: ClinVar variation 2025032 (VCV002025032.4), dbSNP rs2532559338, ClinGen allele CA349678714.
Genomic context (GRCh38, chr2:178,771,421, plus strand): 5'-CATCCCTCAACCATTCGCCTTTGGAATCTGGGTTGGCAACTTCACATTCAAACACAGCTT[C>A]CTGGGATTCAGCTACGGTCTGATCTGTGAGTGGCTTGGAGATGGCCCCACCTTTGGAACA-3'

ClinVar aggregate classification (germline): Likely pathogenic (1 of 4 stars; one submission).

Conditions:
Autosomal recessive limb-girdle muscular dystrophy type 2J (LGMDR10). Also called: Limb-girdle muscular dystrophy, type 2J; MUSCULAR DYSTROPHY, LIMB-GIRDLE, AUTOSOMAL RECESSIVE 10. Identifiers: Orphanet 140922, MedGen C1837342, MONDO:0012127, OMIM 608807.
Dilated cardiomyopathy 1G (CMD1G). Identifiers: Orphanet 154, MedGen C1858763, MONDO:0011400, OMIM 604145.

Submission:

Labcorp Genetics (formerly Invitae), Labcorp
Classification: Likely pathogenic for Dilated cardiomyopathy 1G; Autosomal recessive limb-girdle muscular dystrophy type 2J. Last evaluated: 2024-10-18. Review status: criteria provided, single submitter. Criteria: Invitae Variant Classification Sherloc (09022015). Collection method: clinical testing. Allele origin: germline.
Comment: This sequence change creates a premature translational stop signal (p.Glu2636*) in the TTN gene. While this is not anticipated to result in nonsense mediated decay, it is expected to create a truncated TTN protein. This variant is not present in population databases (gnomAD no frequency). This variant has not been reported in the literature in individuals affected with TTN-related conditions. ClinVar contains an entry for this variant (Variation ID: 2025032). This variant is located in the I band of TTN (PMID: 25589632). Truncating variants in this region have been reported in individuals affected with autosomal recessive centronuclear myopathy (PMID: 23975875, internal data). Truncating variants in this region have also been identified in individuals affected with autosomal dominant dilated cardiomyopathy and/or cardio-related conditions (PMID: 27869827, 32964742, internal data). In summary, the currently available evidence indicates that the variant is pathogenic, but additional data are needed to prove that conclusively. Therefore, this variant has been classified as Likely Pathogenic.

Literature cited by the submitters: PubMed 25589632; PubMed 23975875; PubMed 27869827; PubMed 32964742.